The following is an entry in ClinVar:

ClinVar aggregate classification (germline): Uncertain significance. Review status: criteria provided, multiple submitters, no conflicts (2 of 4 stars). 2 submissions from 2 submitters: Uncertain significance (2). Last evaluated 2025-04-01.

Conditions:
Duchenne muscular dystrophy (DMD). Also called: MUSCULAR DYSTROPHY, PSEUDOHYPERTROPHIC PROGRESSIVE, DUCHENNE TYPE; Duchenne Muscular Dystrophy (DMD). Identifiers: Orphanet 98896, MedGen C0013264, MONDO:0010679, OMIM 310200.

Submissions (2):

Labcorp Genetics (formerly Invitae), Labcorp
Classification: Uncertain significance for Duchenne muscular dystrophy. Last evaluated: 2025-04-01. Review status: criteria provided, single submitter. Criteria: Invitae Variant Classification Sherloc (09022015). Collection method: clinical testing. Allele origin: germline.
Comment: This sequence change falls in intron 62 of the DMD gene. It does not directly change the encoded amino acid sequence of the DMD protein. This variant is not present in population databases (gnomAD no frequency). This variant has not been reported in the literature in individuals affected with DMD-related conditions. ClinVar contains an entry for this variant (Variation ID: 1303433). Algorithms developed to predict the effect of sequence changes on RNA splicing suggest that this variant may disrupt the consensus splice site. In summary, the available evidence is currently insufficient to determine the role of this variant in disease. Therefore, it has been classified as a Variant of Uncertain Significance.

GeneDx
Classification: Uncertain significance. Last evaluated: 2020-06-08. Review status: criteria provided, single submitter. Criteria: GeneDx Variant Classification Process June 2021. Collection method: clinical testing. Allele origin: germline. Affected: yes.
Comment: Not observed in large population cohorts (Lek et al., 2016); In silico analysis, which includes splice predictors and evolutionary conservation, supports a deleterious effect; Has not been previously published as pathogenic or benign to our knowledge

NM_004006.3(DMD):c.9225-15T>G

Gene: DMD (dystrophin; minus strand). Cytogenetic location: Xp21.2.
Variant type: single nucleotide variant.
Coding change: c.9225-15T>G on transcript NM_004006.3 (MANE Select); 15 bases into the intron before coding-DNA position 9225, T replaced by G.
Molecular consequence: intron variant.
Genome position (GRCh38, 1-based): chrX:31,261,031, A>C on the plus strand (T>G on the coding strand, the complement: DMD is on the minus strand). VCF-style: chrX-31261031-A-C. GRCh37 (hg19) VCF-style: chrX-31279148-A-C.
Other names: c.9201-15T>G (NM_000109.4); c.5202-15T>G (NM_004011.4); c.5193-15T>G (NM_004012.4); c.1845-15T>G (NM_004023.3, NM_004020.4, NM_004022.3 and 2 more transcripts); c.1038-15T>G (NM_004014.3); c.21-15T>G (NM_004018.3, NM_004017.3, NM_004016.3 and 2 more transcripts); c.9213-15T>G (NM_004009.3); c.8856-15T>G (NM_004010.3).
Identifiers: ClinVar variation 1303433 (VCV001303433.3), dbSNP rs2147649892, ClinGen allele CA2573055243.